The following is an entry in ClinVar:

ClinVar aggregate classification (germline): Uncertain significance (1 of 4 stars; one submission).

Conditions:
Autosomal dominant spastic paraplegia type 9. Identifiers: MedGen C1832669, MONDO:0015091.
Cutis laxa, autosomal dominant 3 (ADCL3). Identifiers: Orphanet 90348, MedGen C4225268, MONDO:0014706, OMIM 616603.
de Barsy syndrome. Also called: Cutis laxa-corneal clouding-oligophrenia syndrome. Identifiers: Orphanet 2962, MedGen C0268354, MONDO:0017569.

Submission:

Labcorp Genetics (formerly Invitae), Labcorp
Classification: Uncertain significance for Autosomal dominant spastic paraplegia type 9; de Barsy syndrome; Cutis laxa, autosomal dominant 3. Last evaluated: 2025-03-10. Review status: criteria provided, single submitter. Criteria: Invitae Variant Classification Sherloc (09022015). Collection method: clinical testing. Allele origin: germline.
Comment: This sequence change replaces leucine, which is neutral and non-polar, with methionine, which is neutral and non-polar, at codon 423 of the ALDH18A1 protein (p.Leu423Met). This variant is not present in population databases (gnomAD no frequency). This variant has not been reported in the literature in individuals affected with ALDH18A1-related conditions. ClinVar contains an entry for this variant (Variation ID: 1718770). Invitae Evidence Modeling of protein sequence and biophysical properties (such as structural, functional, and spatial information, amino acid conservation, physicochemical variation, residue mobility, and thermodynamic stability) indicates that this missense variant is not expected to disrupt ALDH18A1 protein function with a negative predictive value of 95%. In summary, the available evidence is currently insufficient to determine the role of this variant in disease. Therefore, it has been classified as a Variant of Uncertain Significance.

NM_002860.4(ALDH18A1):c.1267C>A (p.Leu423Met)

Gene: ALDH18A1 (aldehyde dehydrogenase 18 family member A1; minus strand). Cytogenetic location: 10q24.1.
Variant type: single nucleotide variant.
Coding change: c.1267C>A on transcript NM_002860.4 (MANE Select); coding-DNA position 1267, C replaced by A.
Protein change: p.Leu423Met; replaces leucine 423 with methionine.
Molecular consequence: missense variant.
Genome position (GRCh38, 1-based): chr10:95,621,231, G>T on the plus strand (C>A on the coding strand, the complement: ALDH18A1 is on the minus strand). VCF-style: chr10-95621231-G-T. GRCh37 (hg19) VCF-style: chr10-97380988-G-T.
Other names: c.1261C>A, p.Leu421Met (NM_001017423.2, NM_001323415.2); c.934C>A, p.Leu312Met (NM_001323412.2, NM_001323416.2); c.1267C>A, p.Leu423Met (NM_001323413.2, NM_001323414.2); c.1162C>A, p.Leu388Met (NM_001323417.2); c.928C>A, p.Leu310Met (NM_001323418.2); c.631C>A, p.Leu211Met (NM_001323419.2); short protein forms L211M, L310M, L312M, L388M, L421M, L423M.
Identifiers: ClinVar variation 1718770 (VCV001718770.6), dbSNP rs1353713339, ClinGen allele CA377701857.